The following is an entry in ClinVar:

NM_001349253.2(SCN11A):c.4953T>A (p.Asp1651Glu)

Gene: SCN11A (sodium voltage-gated channel alpha subunit 11; minus strand). Cytogenetic location: 3p22.2.
Variant type: single nucleotide variant.
Coding change: c.4953T>A on transcript NM_001349253.2 (MANE Select); coding-DNA position 4953, T replaced by A.
Protein change: p.Asp1651Glu; replaces aspartic acid 1651 with glutamic acid.
Molecular consequence: missense variant.
Genome position (GRCh38, 1-based): chr3:38,847,117, A>T on the plus strand (T>A on the coding strand, the complement: SCN11A is on the minus strand). VCF-style: chr3-38847117-A-T. GRCh37 (hg19) VCF-style: chr3-38888608-A-T.
Other names: c.4953T>A, p.Asp1651Glu (NM_014139.3); short protein forms D1651E.
Identifiers: ClinVar variation 2932869 (VCV002932869.3), dbSNP rs2064683106, ClinGen allele CA352161936.
Genomic context (GRCh38, chr3:38,847,117, plus strand): 5'-GTCCATTACTAGAAATTGATATTTATTTGGCTTTGCGACACGCAAAGGCTCAGGCAAGGC[A>T]TCAGCAAAGTCAGAAAGGGCAGAATATTTGATAAATTGTGTTGCTTCTGGGTCAAACTTT-3'
Protein context (NP_001336182.1, residues 1641-1661): IKYSALSDFA[Asp1651Glu]ALPEPLRVAK

ClinVar aggregate classification (germline): Uncertain significance (1 of 4 stars; one submission).

Conditions:
Hereditary sensory and autonomic neuropathy type 7. Also called: Neuropathy, hereditary sensory and autonomic, type VII; HSAN VII. Identifiers: Orphanet 391397, MedGen C3809882, MONDO:0014244, OMIM 615548.
Familial episodic pain syndrome with predominantly lower limb involvement. Also called: Episodic pain syndrome, familial, 3. Identifiers: Orphanet 391384, Orphanet 391392, MedGen C3809899, MONDO:0014247, OMIM 615552.

Allele frequency attached by ClinVar (database versions not stated): TOPMed 0.00001.

Submission:

Labcorp Genetics (formerly Invitae), Labcorp
Classification: Uncertain significance for Familial episodic pain syndrome with predominantly lower limb involvement; Hereditary sensory and autonomic neuropathy type 7. Last evaluated: 2023-06-15. Review status: criteria provided, single submitter. Criteria: Invitae Variant Classification Sherloc (09022015). Collection method: clinical testing. Allele origin: germline.
Comment: In summary, the available evidence is currently insufficient to determine the role of this variant in disease. Therefore, it has been classified as a Variant of Uncertain Significance. Advanced modeling of protein sequence and biophysical properties (such as structural, functional, and spatial information, amino acid conservation, physicochemical variation, residue mobility, and thermodynamic stability) has been performed at Invitae for this missense variant, however the output from this modeling did not meet the statistical confidence thresholds required to predict the impact of this variant on SCN11A protein function. This variant has not been reported in the literature in individuals affected with SCN11A-related conditions. This variant is not present in population databases (gnomAD no frequency). This sequence change replaces aspartic acid, which is acidic and polar, with glutamic acid, which is acidic and polar, at codon 1651 of the SCN11A protein (p.Asp1651Glu).